The following is an entry in ClinVar:

ClinVar aggregate classification (germline): Likely benign. Review status: criteria provided, multiple submitters, no conflicts (2 of 4 stars). 5 submissions from 5 submitters: Likely benign (4). 1 of the submissions does not count toward it. Last evaluated 2025-12-26.

Conditions:
Ehlers-Danlos syndrome, classic type, 1 (EDSCL1). Also called: EDS I; Ehlers-Danlos syndrome, type 1; Ehlers-Danlos Syndrome, Classic Type, COL5A1-Related; EHLERS-DANLOS SYNDROME, GRAVIS TYPE; EHLERS-DANLOS SYNDROME, SEVERE CLASSIC TYPE. Identifiers: MedGen C0268335, MONDO:0019567, OMIM 130000.
COL5A2-related disorder. Also called: COL5A2-related condition.
Familial thoracic aortic aneurysm and aortic dissection (TAAD). Also called: Thoracic aortic aneurysms and dissections. Identifiers: Orphanet 91387, MedGen C4707243, MONDO:0019625.

Allele frequency attached by ClinVar (database versions not stated): gnomAD exomes 0.00003 and 0.00004; ExAC 0.00005; gnomAD 0.00009; TOPMed 0.00009; ESP Exome Variant Server 0.00023.
gnomAD v4.1: 68 of 1,613,576 alleles (0.0042%); highest among the groups gnomAD compares: African/African-American, 0.037%; no homozygotes.

Submissions (5):

Labcorp Genetics (formerly Invitae), Labcorp
Classification: Likely benign for Ehlers-Danlos syndrome, classic type, 1. Last evaluated: 2025-12-26. Review status: criteria provided, single submitter. Criteria: Invitae Variant Classification Sherloc (09022015). Collection method: clinical testing. Allele origin: germline.

CeGaT Center for Human Genetics Tuebingen
Classification: Likely benign. Last evaluated: 2025-07-01. Review status: criteria provided, single submitter. Criteria: CeGaT Center For Human Genetics Tuebingen Variant Classification Criteria Version 2. Collection method: clinical testing. Allele origin: germline. Affected: yes. Observed: 1 variant allele.
Comment: COL5A2: BP4, BP7

Blueprint Genetics
Classification: Likely benign. Last evaluated: 2024-02-09. Review status: criteria provided, single submitter. Criteria: ACMG Guidelines, 2015. Collection method: clinical testing. Allele origin: germline.

Ambry Genetics
Classification: Likely benign for Familial thoracic aortic aneurysm and aortic dissection. Last evaluated: 2022-08-16. Review status: criteria provided, single submitter. Criteria: Ambry Variant Classification Scheme 2023. Collection method: clinical testing. Allele origin: germline.

PreventionGenetics, part of Exact Sciences
Classification: Likely benign for COL5A2-related condition. Last evaluated: 2021-07-28. Review status: no assertion criteria provided. Collection method: clinical testing. Allele origin: germline. Not counted in ClinVar's aggregate classification.
Comment: This variant is classified as likely benign based on ACMG/AMP sequence variant interpretation guidelines (Richards et al. 2015 PMID: 25741868, with internal and published modifications).

NM_000393.5(COL5A2):c.570G>A (p.Pro190=)

Gene: COL5A2 (collagen type V alpha 2 chain; minus strand). Cytogenetic location: 2q32.2.
Variant type: single nucleotide variant.
Coding change: c.570G>A on transcript NM_000393.5 (MANE Select); coding-DNA position 570, G replaced by A.
Protein change: p.Pro190=; no amino-acid change (proline 190 retained).
Molecular consequence: synonymous variant.
Genome position (GRCh38, 1-based): chr2:189,088,770, C>T on the plus strand (G>A on the coding strand, the complement: COL5A2 is on the minus strand). VCF-style: chr2-189088770-C-T. GRCh37 (hg19) VCF-style: chr2-189953496-C-T.
Other names: c.570G>A (NM_000393.4).
Identifiers: ClinVar variation 459754 (VCV000459754.23), dbSNP rs139666335, ClinGen allele CA2023015.